The following is an entry in ClinVar:

NM_001378454.1(ALMS1):c.6446A>G (p.Asp2149Gly)

Gene: ALMS1 (ALMS1 centrosome and basal body associated protein; plus strand). Cytogenetic location: 2p13.1.
Variant type: single nucleotide variant.
Coding change: c.6446A>G on transcript NM_001378454.1 (MANE Select); coding-DNA position 6446, A replaced by G.
Protein change: p.Asp2149Gly; replaces aspartic acid 2149 with glycine.
Molecular consequence: missense variant.
Genome position (GRCh38, 1-based): chr2:73,452,973, A>G. VCF-style: chr2-73452973-A-G. GRCh37 (hg19) VCF-style: chr2-73680100-A-G.
Other names: c.6449A>G, p.Asp2150Gly (NM_015120.4); short protein forms D2149G, D2150G.
Identifiers: ClinVar variation 4738675 (VCV004738675.1).

ClinVar aggregate classification (germline): Uncertain significance (1 of 4 stars; one submission).

Conditions:
Alstrom syndrome (ALMS). Identifiers: Orphanet 64, MedGen C0268425, MONDO:0008763, OMIM 203800.

gnomAD v4.1: 5 of 1,612,312 alleles (0.00031%); highest among the groups gnomAD compares: Non-Finnish European, 0.00042%; no homozygotes.

Submission:

Labcorp Genetics (formerly Invitae), Labcorp
Classification: Uncertain significance for Alstrom syndrome. Last evaluated: 2025-02-12. Review status: criteria provided, single submitter. Criteria: Invitae Variant Classification Sherloc (09022015). Collection method: clinical testing. Allele origin: germline.
Comment: This sequence change replaces aspartic acid, which is acidic and polar, with glycine, which is neutral and non-polar, at codon 2150 of the ALMS1 protein (p.Asp2150Gly). This variant is not present in population databases (gnomAD no frequency). This variant has not been reported in the literature in individuals affected with ALMS1-related conditions. An algorithm developed to predict the effect of missense changes on protein structure and function outputs the following: PolyPhen-2: "Not Available". The glycine amino acid residue is found in multiple mammalian species, which suggests that this missense change does not adversely affect protein function. In summary, the available evidence is currently insufficient to determine the role of this variant in disease. Therefore, it has been classified as a Variant of Uncertain Significance.